The following is an entry in ClinVar:

NM_001276270.2(MBD4):c.1544-16A>G

Gene: MBD4 (methyl-CpG binding domain 4, DNA glycosylase; minus strand). Cytogenetic location: 3q21.3.
Variant type: single nucleotide variant.
Coding change: c.1544-16A>G on transcript NM_001276270.2 (MANE Select); 16 bases into the intron before coding-DNA position 1544, A replaced by G.
Molecular consequence: intron variant.
Genome position (GRCh38, 1-based): chr3:129,432,622, T>C on the plus strand (A>G on the coding strand, the complement: MBD4 is on the minus strand). VCF-style: chr3-129432622-T-C. GRCh37 (hg19) VCF-style: chr3-129151465-T-C.
Other names: c.608-16A>G (NM_001276273.2); c.1562-16A>G (NM_001276272.2, NM_003925.3, NM_001276271.2).
Identifiers: ClinVar variation 3681684 (VCV003681684.3).

ClinVar aggregate classification (germline): Likely benign. Review status: criteria provided, multiple submitters, no conflicts (2 of 4 stars). 2 submissions from 2 submitters: Likely benign (2). Last evaluated 2026-06-09.

Conditions:
Tumor predisposition syndrome 2 (TPDS2). Also called: MBD4-ASSOCIATED NEOPLASIA SYNDROME; MBD4-Related Tumor Predisposition Syndrome; MBD4-associated neoplasia syndrome (MANS). Identifiers: Orphanet 661526, MedGen C5774186, MONDO:0859267, OMIM 619975.

gnomAD v4.1: 2 of 1,612,414 alleles (0.00012%); highest among the groups gnomAD compares: Admixed American, 0.0017%; no homozygotes.

Submissions (2):

Myriad Genetics, Inc.
Classification: Likely benign for Tumor predisposition syndrome 2. Last evaluated: 2026-06-09. Review status: criteria provided, single submitter. Criteria: Myriad Autosomal Dominant, Autosomal Recessive and X-Linked Classification Criteria (2023). Collection method: clinical testing. Allele origin: unknown.
Comment: This variant is considered likely benign. This variant is intronic and is not expected to impact mRNA splicing.

Labcorp Genetics (formerly Invitae), Labcorp
Classification: Likely benign. Last evaluated: 2025-10-13. Review status: criteria provided, single submitter. Criteria: Invitae Variant Classification Sherloc (09022015). Collection method: clinical testing. Allele origin: germline.